The following is an entry in ClinVar:

NM_021620.4(PRDM13):c.130G>A (p.Gly44Arg)

Gene: PRDM13 (PR/SET domain 13; plus strand). Cytogenetic location: 6q16.2.
Variant type: single nucleotide variant.
Coding change: c.130G>A on transcript NM_021620.4 (MANE Select); coding-DNA position 130, G replaced by A.
Protein change: p.Gly44Arg; replaces glycine 44 with arginine.
Molecular consequence: missense variant.
Genome position (GRCh38, 1-based): chr6:99,607,164, G>A. VCF-style: chr6-99607164-G-A. GRCh37 (hg19) VCF-style: chr6-100055040-G-A.
Other names: short protein forms G44R.
Identifiers: ClinVar variation 1500636 (VCV001500636.6), dbSNP rs764386769, ClinGen allele CA3936098.

ClinVar aggregate classification (germline): Uncertain significance (1 of 4 stars; one submission).

Allele frequency attached by ClinVar (database versions not stated): ExAC 0.00001; gnomAD 0.00001; gnomAD exomes 0.00001; TOPMed below 0.00001.

Submission:

Labcorp Genetics (formerly Invitae), Labcorp
Classification: Uncertain significance. Last evaluated: 2024-05-20. Review status: criteria provided, single submitter. Criteria: Invitae Variant Classification Sherloc (09022015). Collection method: clinical testing. Allele origin: germline.
Comment: This sequence change replaces glycine, which is neutral and non-polar, with arginine, which is basic and polar, at codon 44 of the PRDM13 protein (p.Gly44Arg). This variant is present in population databases (rs764386769, gnomAD 0.002%). This variant has not been reported in the literature in individuals affected with PRDM13-related conditions. ClinVar contains an entry for this variant (Variation ID: 1500636). An algorithm developed to predict the effect of missense changes on protein structure and function (PolyPhen-2) suggests that this variant is likely to be disruptive. In summary, the available evidence is currently insufficient to determine the role of this variant in disease. Therefore, it has been classified as a Variant of Uncertain Significance.